The following is an entry in ClinVar:

NM_173560.4(RFX6):c.2117T>C (p.Val706Ala)

Gene: RFX6 (regulatory factor X6; plus strand). Cytogenetic location: 6q22.1.
Variant type: single nucleotide variant.
Coding change: c.2117T>C on transcript NM_173560.4 (MANE Select); coding-DNA position 2117, T replaced by C.
Protein change: p.Val706Ala; replaces valine 706 with alanine.
Molecular consequence: missense variant.
Genome position (GRCh38, 1-based): chr6:116,927,258, T>C. VCF-style: chr6-116927258-T-C. GRCh37 (hg19) VCF-style: chr6-117248421-T-C.
Other names: short protein forms V706A.
Identifiers: ClinVar variation 2036969 (VCV002036969.4), dbSNP rs2481955527, ClinGen allele CA365435832.

ClinVar aggregate classification (germline): Uncertain significance (1 of 4 stars; one submission).

Allele frequency attached by ClinVar (database versions not stated): gnomAD exomes below 0.00001.
gnomAD v4.1: 3 of 1,614,176 alleles (0.00019%); highest among the groups gnomAD compares: Non-Finnish European, 0.00017%; no homozygotes.

Submission:

Labcorp Genetics (formerly Invitae), Labcorp
Classification: Uncertain significance. Last evaluated: 2021-12-07. Review status: criteria provided, single submitter. Criteria: Invitae Variant Classification Sherloc (09022015). Collection method: clinical testing. Allele origin: germline.
Comment: In summary, the available evidence is currently insufficient to determine the role of this variant in disease. Therefore, it has been classified as a Variant of Uncertain Significance. Algorithms developed to predict the effect of missense changes on protein structure and function (SIFT, PolyPhen-2, Align-GVGD) all suggest that this variant is likely to be tolerated. This variant has not been reported in the literature in individuals affected with RFX6-related conditions. This variant is not present in population databases (gnomAD no frequency). This sequence change replaces valine, which is neutral and non-polar, with alanine, which is neutral and non-polar, at codon 706 of the RFX6 protein (p.Val706Ala).